The following is an entry in ClinVar:

NM_006303.4(AIMP2):c.135+2154A>G

Gene: AIMP2 (aminoacyl tRNA synthetase complex interacting multifunctional protein 2; plus strand). Cytogenetic location: 7p22.1.
Variant type: single nucleotide variant.
Coding change: c.135+2154A>G on transcript NM_006303.4 (MANE Select); 2154 bases into the intron after coding-DNA position 135, A replaced by G.
Molecular consequence: intron variant.
Genome position (GRCh38, 1-based): chr7:6,011,652, A>G. VCF-style: chr7-6011652-A-G. GRCh37 (hg19) VCF-style: chr7-6051283-A-G.
Other names: c.-185-1092A>G (NM_001326609.2); c.135+2154A>G (NM_001326607.2); c.-100+881A>G (NM_001326611.3); c.-251+2274A>G (NM_001326610.2); c.15+2274A>G (NM_001326606.2); c.48+475A>G (NM_001362785.2); c.3+1883A>G (NM_001362787.2).
Identifiers: ClinVar variation 4533715 (VCV004533715.6).
Genomic context (GRCh38, chr7:6,011,652, plus strand): 5'-TTTAATGGCTTTCTGCCTAGATCAGGAGGGACAGACTTTCTTTTGAAACCCAATAACACA[A>G]CTGTTATTTCAGTACAGAGCTAAGACAGAAATAGCAGACATAGTTCAATGGTCCCTGCAC-3'

ClinVar aggregate classification (germline): Benign (1 of 4 stars; one submission).

Submission:

CeGaT Center for Human Genetics Tuebingen
Classification: Benign. Last evaluated: 2026-09-01. Review status: criteria provided, single submitter. Criteria: CeGaT Center For Human Genetics Tuebingen Variant Classification Criteria Version 2. Collection method: clinical testing. Allele origin: germline. Affected: yes. Observed: 11 variant alleles.
Comment: AIMP2: BS1, BS2